The following is an entry in ClinVar:

NM_181426.2(CCDC39):c.472C>G (p.Leu158Val)

Gene: CCDC39 (coiled-coil domain 39 molecular ruler complex subunit; minus strand). Cytogenetic location: 3q26.33.
Variant type: single nucleotide variant.
Coding change: c.472C>G on transcript NM_181426.2 (MANE Select); coding-DNA position 472, C replaced by G.
Protein change: p.Leu158Val; replaces leucine 158 with valine.
Molecular consequence: missense variant.
Genome position (GRCh38, 1-based): chr3:180,660,614, G>C on the plus strand (C>G on the coding strand, the complement: CCDC39 is on the minus strand). VCF-style: chr3-180660614-G-C. GRCh37 (hg19) VCF-style: chr3-180378402-G-C.
Other names: short protein forms L158V.
Identifiers: ClinVar variation 226485 (VCV000226485.28), dbSNP rs57838737, ClinGen allele CA2716170.

ClinVar aggregate classification (germline): Benign/Likely benign. Review status: criteria provided, multiple submitters, no conflicts (2 of 4 stars). 10 submissions from 10 submitters: Benign (9); Likely benign (1). Last evaluated 2026-02-02.

Conditions:
Primary ciliary dyskinesia. Also called: Ciliary dyskinesia. Identifiers: Orphanet 244, MedGen C0008780, MONDO:0016575, HP:0012265.
Primary ciliary dyskinesia 14. Also called: CILIARY DYSKINESIA, PRIMARY, 14, WITH OR WITHOUT SITUS INVERSUS. Identifiers: Orphanet 244, MedGen C3151136, MONDO:0013434, OMIM 613807.

Allele frequency attached by ClinVar (database versions not stated): gnomAD exomes 0.00963; ExAC 0.02119; gnomAD 0.03845 and 0.04150; ESP Exome Variant Server 0.04113; 1000 Genomes Project 0.04333; TOPMed 0.04391; 1000 Genomes Project 30x 0.04497.
gnomAD v4.1: 11,782 of 1,601,418 alleles (0.74%); highest among the groups gnomAD compares: African/African-American, 13%; 733 homozygotes.

Submissions (10):

Labcorp Genetics (formerly Invitae), Labcorp
Classification: Benign for Primary ciliary dyskinesia. Last evaluated: 2026-02-02. Review status: criteria provided, single submitter. Criteria: Invitae Variant Classification Sherloc (09022015). Collection method: clinical testing. Allele origin: germline.

ARUP Laboratories, Molecular Genetics and Genomics, ARUP Laboratories
Classification: Benign for Primary ciliary dyskinesia 14. Last evaluated: 2025-01-30. Review status: criteria provided, single submitter. Criteria: ARUP Molecular Germline Variant Investigation Process 2024. Collection method: clinical testing. Allele origin: germline.

Blueprint Genetics
Classification: Likely benign. Last evaluated: 2024-11-25. Review status: criteria provided, single submitter. Criteria: ACMG Guidelines, 2015. Collection method: clinical testing. Allele origin: germline.

Mayo Clinic Laboratories, Mayo Clinic
Classification: Benign. Last evaluated: 2024-07-10. Review status: criteria provided, single submitter. Criteria: ACMG Guidelines, 2015. Collection method: clinical testing. Allele origin: germline. Observed: 8 variant alleles.
Comment: BA1, BS2, BP4

GeneDx
Classification: Benign. Last evaluated: 2020-11-08. Review status: criteria provided, single submitter. Criteria: GeneDx Variant Classification Process June 2021. Collection method: clinical testing. Allele origin: germline. Affected: yes.

Illumina Laboratory Services, Illumina
Classification: Benign for Primary ciliary dyskinesia 14. Last evaluated: 2018-01-13. Review status: criteria provided, single submitter. Criteria: ICSL Variant Classification Criteria 13 December 2019. Collection method: clinical testing. Allele origin: germline.
Comment: This variant was observed in the ICSL laboratory as part of a predisposition screen in an ostensibly healthy population. It had not been previously curated by ICSL or reported in the Human Gene Mutation Database (HGMD: prior to June 1st, 2018), and was therefore a candidate for classification through an automated scoring system. Utilizing variant allele frequency, disease prevalence and penetrance estimates, and inheritance mode, an automated score was calculated to assess if this variant is too frequent to cause the disease. Based on the score and internal cut-off values, a variant classified as benign is not then subjected to further curation. The score for this variant resulted in a classification of benign for this disease.

Ambry Genetics
Classification: Benign for Primary ciliary dyskinesia. Last evaluated: 2016-07-08. Review status: criteria provided, single submitter. Criteria: Ambry Variant Classification Scheme 2023. Collection method: clinical testing. Allele origin: germline.

Laboratory for Molecular Medicine, Mass General Brigham Personalized Medicine
Classification: Benign. Last evaluated: 2013-02-21. Review status: criteria provided, single submitter. Criteria: LMM Criteria. Collection method: clinical testing. Allele origin: germline. Observed: 4 variant alleles.
Comment: Leu158Val in exon 4 of CCDC39: This variant is not expected to have clinical sig nificance because it has been identified in 13.0% (480/3692) of African American chromosomes from a broad population by the NHLBI Exome Sequencing Project (dbSNP rs57838737).

Breakthrough Genomics
Classification: Benign. Review status: criteria provided, single submitter. Criteria: ACMG Guidelines, 2015. Collection method: not provided. Allele origin: germline. Inheritance: Autosomal recessive inheritance. Affected: yes.

PreventionGenetics, part of Exact Sciences
Classification: Benign. Review status: criteria provided, single submitter. Criteria: ACMG Guidelines, 2015. Collection method: clinical testing. Allele origin: germline.

Literature cited by the submitters: PubMed 33057194 (cited by Mayo Clinic Laboratories, Mayo Clinic); PubMed 35982159 (cited by Mayo Clinic Laboratories, Mayo Clinic).